The following is an entry in ClinVar:

NM_000391.4(TPP1):c.*10A>G

Gene: TPP1 (tripeptidyl peptidase 1; minus strand). Cytogenetic location: 11p15.4.
Variant type: single nucleotide variant.
Coding change: c.*10A>G on transcript NM_000391.4 (MANE Select); 10 bases downstream of the stop codon, A replaced by G.
Molecular consequence: 3 prime UTR variant.
Genome position (GRCh38, 1-based): chr11:6,614,536, T>C on the plus strand (A>G on the coding strand, the complement: TPP1 is on the minus strand). VCF-style: chr11-6614536-T-C. GRCh37 (hg19) VCF-style: chr11-6635767-T-C.
Identifiers: ClinVar variation 4683584 (VCV004683584.1).

ClinVar aggregate classification (germline): Likely benign (1 of 4 stars; one submission).

gnomAD v4.1: 147 of 1,614,010 alleles (0.0091%); highest among the groups gnomAD compares: Non-Finnish European, 0.012%; no homozygotes.

Submission:

Mayo Clinic Laboratories, Mayo Clinic
Classification: Likely benign. Last evaluated: 2025-07-10. Review status: criteria provided, single submitter. Criteria: ACMG Guidelines, 2015. Collection method: clinical testing. Allele origin: germline. Observed: 1 variant allele.
Comment: BP4, BP7